The following is an entry in ClinVar:

NM_001099403.2(PRDM8):c.1087G>C (p.Gly363Arg)

Gene: PRDM8 (PR/SET domain 8; plus strand). Cytogenetic location: 4q21.21.
Variant type: single nucleotide variant.
Coding change: c.1087G>C on transcript NM_001099403.2 (MANE Select); coding-DNA position 1087, G replaced by C.
Protein change: p.Gly363Arg; replaces glycine 363 with arginine.
Molecular consequence: missense variant.
Genome position (GRCh38, 1-based): chr4:80,202,549, G>C. VCF-style: chr4-80202549-G-C. GRCh37 (hg19) VCF-style: chr4-81123703-G-C.
Other names: c.1087G>C, p.Gly363Arg (NM_020226.4); short protein forms G363R.
Identifiers: ClinVar variation 841305 (VCV000841305.7), dbSNP rs1220553796, ClinGen allele CA357398146.

ClinVar aggregate classification (germline): Uncertain significance (1 of 4 stars; one submission).

Conditions:
Early-onset Lafora body disease. Also called: Epilepsy, progressive myoclonic, 10. Identifiers: Orphanet 324290, MedGen C4225258, MONDO:0014717, OMIM 616640.

Allele frequency attached by ClinVar (database versions not stated): gnomAD 0.00001; TOPMed 0.00001.
gnomAD v4.1: 18 of 1,535,326 alleles (0.0012%); highest among the groups gnomAD compares: Non-Finnish European, 0.0016%; no homozygotes.

Submission:

Labcorp Genetics (formerly Invitae), Labcorp
Classification: Uncertain significance for Early-onset Lafora body disease. Last evaluated: 2022-09-13. Review status: criteria provided, single submitter. Criteria: Invitae Variant Classification Sherloc (09022015). Collection method: clinical testing. Allele origin: germline.
Comment: This sequence change replaces glycine, which is neutral and non-polar, with arginine, which is basic and polar, at codon 363 of the PRDM8 protein (p.Gly363Arg). This variant is present in population databases (no rsID available, gnomAD 0.003%). This variant has not been reported in the literature in individuals affected with PRDM8-related conditions. ClinVar contains an entry for this variant (Variation ID: 841305). Advanced modeling of protein sequence and biophysical properties (such as structural, functional, and spatial information, amino acid conservation, physicochemical variation, residue mobility, and thermodynamic stability) performed at Invitae indicates that this missense variant is not expected to disrupt PRDM8 protein function. In summary, the available evidence is currently insufficient to determine the role of this variant in disease. Therefore, it has been classified as a Variant of Uncertain Significance.